The following is an entry in ClinVar:

ClinVar aggregate classification (germline): Uncertain significance (1 of 4 stars; one submission).

Conditions:
Cardiovascular phenotype. Identifiers: MedGen CN230736.

Allele frequency attached by ClinVar (database versions not stated): ExAC 0.00001; gnomAD 0.00001; TOPMed 0.00002; gnomAD exomes 0.00004.
gnomAD v4.1: 61 of 1,613,424 alleles (0.0038%); highest among the groups gnomAD compares: Non-Finnish European, 0.005%; no homozygotes.

Submission:

Ambry Genetics
Classification: Uncertain significance for Cardiovascular phenotype. Last evaluated: 2020-03-18. Review status: criteria provided, single submitter. Criteria: Ambry Variant Classification Scheme 2023. Collection method: clinical testing. Allele origin: germline.
Comment: The p.A17273S variant (also known as c.51817G>T), located in coding exon 153 of the TTN gene, results from a G to T substitution at nucleotide position 51817. The alanine at codon 17273 is replaced by serine, an amino acid with similar properties. This amino acid position is well conserved in available vertebrate species. In addition, this alteration is predicted to be tolerated by in silico analysis. Since supporting evidence is limited at this time, the clinical significance of this alteration remains unclear.

NM_001267550.2(TTN):c.79012G>T (p.Ala26338Ser)

Genes: TTN-AS1 (TTN antisense RNA 1; plus strand), TTN (titin; minus strand). Cytogenetic location: 2q31.2.
Variant type: single nucleotide variant.
Coding change: c.79012G>T on transcript NM_001267550.2 (MANE Select); coding-DNA position 79012, G replaced by T.
Protein change: p.Ala26338Ser; replaces alanine 26338 with serine.
Molecular consequence: missense variant.
Genome position (GRCh38, 1-based): chr2:178,567,120, C>A on the plus strand (G>T on the coding strand, the complement: TTN is on the minus strand). VCF-style: chr2-178567120-C-A. GRCh37 (hg19) VCF-style: chr2-179431847-C-A.
Other names: c.74089G>T, p.Ala24697Ser (NM_001256850.1); c.51817G>T, p.Ala17273Ser (NM_003319.4); c.71308G>T, p.Ala23770Ser (NM_133378.4); c.52192G>T, p.Ala17398Ser (NM_133432.3); c.52393G>T, p.Ala17465Ser (NM_133437.4); short protein forms A17273S, A23770S, A17398S, A24697S, A26338S, A17465S.
Identifiers: ClinVar variation 1745856 (VCV001745856.2), dbSNP rs757470480, ClinGen allele CA1989537.